The following is an entry in ClinVar:

NM_001378030.1(CCDC78):c.1190G>C (p.Arg397Pro)

Gene: CCDC78 (coiled-coil domain containing 78; minus strand). Cytogenetic location: 16p13.3.
Variant type: single nucleotide variant.
Coding change: c.1190G>C on transcript NM_001378030.1 (MANE Select); coding-DNA position 1190, G replaced by C.
Protein change: p.Arg397Pro; replaces arginine 397 with proline.
Molecular consequence: missense variant. On other transcripts: non-coding transcript variant (5).
Genome position (GRCh38, 1-based): chr16:723,105, C>G on the plus strand (G>C on the coding strand, the complement: CCDC78 is on the minus strand). VCF-style: chr16-723105-C-G. GRCh37 (hg19) VCF-style: chr16-773105-C-G.
Other names: c.1190G>C, p.Arg397Pro (NM_001031737.3); c.1010G>C, p.Arg337Pro (NM_001378031.1); c.623G>C, p.Arg208Pro (NM_001378033.1); short protein forms R337P, R208P, R397P.
Identifiers: ClinVar variation 2908470 (VCV002908470.3), dbSNP rs150304459, ClinGen allele CA394097886.
Genomic context (GRCh38, chr16:723,105, plus strand): 5'-GAGCTGGGGCATGGCGTGAGGATGGGCCTGGGCCAGCCCTTGCCTCCTACCTGGGTGCTG[C>G]GGGAGAAGTCCCGGAGCTTCTGGTGGATCTGGGCCCAGGATGCAGCGTCCAGGCCCCTGT-3'
Protein context (NP_001364959.1, residues 387-407): QIHQKLRDFS[Arg397Pro]STQAELERER

ClinVar aggregate classification (germline): Uncertain significance (1 of 4 stars; one submission).

Conditions:
Congenital myopathy with internal nuclei and atypical cores. Also called: Myopathy, centronuclear, 4. Identifiers: Orphanet 319160, MedGen C4707232, MONDO:0013890, OMIM 614807.

gnomAD v4.1: 1 of 1,612,580 alleles (0.000062%); highest among the groups gnomAD compares: Non-Finnish European, 0.000085%; no homozygotes.

Submission:

Labcorp Genetics (formerly Invitae), Labcorp
Classification: Uncertain significance for Congenital myopathy with internal nuclei and atypical cores. Last evaluated: 2023-06-03. Review status: criteria provided, single submitter. Criteria: Invitae Variant Classification Sherloc (09022015). Collection method: clinical testing. Allele origin: germline.
Comment: In summary, the available evidence is currently insufficient to determine the role of this variant in disease. Therefore, it has been classified as a Variant of Uncertain Significance. Advanced modeling of protein sequence and biophysical properties (such as structural, functional, and spatial information, amino acid conservation, physicochemical variation, residue mobility, and thermodynamic stability) performed at Invitae indicates that this missense variant is not expected to disrupt CCDC78 protein function. This variant has not been reported in the literature in individuals affected with CCDC78-related conditions. This variant is present in population databases (no rsID available, gnomAD 0.007%). This sequence change replaces arginine, which is basic and polar, with proline, which is neutral and non-polar, at codon 397 of the CCDC78 protein (p.Arg397Pro).